The following is an entry in ClinVar:

NM_007156.5(ZXDA):c.252C>G (p.Gly84=)

Gene: ZXDA (zinc finger X-linked duplicated A; minus strand). Cytogenetic location: Xp11.21.
Variant type: single nucleotide variant.
Coding change: c.252C>G on transcript NM_007156.5 (MANE Select); coding-DNA position 252, C replaced by G.
Protein change: p.Gly84=; no amino-acid change (glycine 84 retained).
Molecular consequence: synonymous variant.
Genome position (GRCh38, 1-based): chrX:57,910,169, G>C on the plus strand (C>G on the coding strand, the complement: ZXDA is on the minus strand). VCF-style: chrX-57910169-G-C. GRCh37 (hg19) VCF-style: chrX-57936603-G-C.
Identifiers: ClinVar variation 2660736 (VCV002660736.24), dbSNP rs756459471, ClinGen allele CA330189107.

ClinVar aggregate classification (germline): Likely benign (1 of 4 stars; one submission).

Allele frequency attached by ClinVar (database versions not stated): gnomAD 0.00003; TOPMed 0.00003.

Submission:

CeGaT Center for Human Genetics Tuebingen
Classification: Likely benign. Last evaluated: 2023-03-01. Review status: criteria provided, single submitter. Criteria: CeGaT Center For Human Genetics Tuebingen Variant Classification Criteria Version 2. Collection method: clinical testing. Allele origin: germline. Affected: yes. Observed: 1 variant allele.
Comment: ZXDA: BP4, BP7